The following is an entry in ClinVar:

ClinVar aggregate classification (germline): Uncertain significance. Review status: criteria provided, multiple submitters, no conflicts (2 of 4 stars). 4 submissions from 4 submitters: Uncertain significance (4). Last evaluated 2025-07-29.

Conditions:
Osteogenesis imperfecta type I (OI1). Also called: Classic Non-deforming Osteogenesis Imperfecta with Blue Sclerae; Osteogenesis imperfecta type 1; OI, TYPE I; OSTEOGENESIS IMPERFECTA TARDA; OSTEOGENESIS IMPERFECTA WITH BLUE SCLERAE; Lobstein's Disease. Identifiers: Orphanet 216796, Orphanet 666, MedGen C0023931, MONDO:0008146, OMIM 166200. Disease mechanism: loss of function.
Cardiovascular phenotype. Identifiers: MedGen CN230736.
Osteogenesis imperfecta, perinatal lethal (OI2). Also called: OSTEOGENESIS IMPERFECTA, TYPE II; Osteogenesis imperfecta, dominant perinatal lethal; OI, TYPE II; OSTEOGENESIS IMPERFECTA CONGENITA; VROLIK TYPE OF OSTEOGENESIS IMPERFECTA; Osteogenesis imperfecta type 2. Identifiers: Orphanet 216804, MedGen C0268358, MONDO:0008147, OMIM 166210.
Combined osteogenesis imperfecta and Ehlers-Danlos syndrome 1. Also called: OIEDS SYNDROME 1. Identifiers: MedGen C5436842, MONDO:0030854, OMIM 619115.
Osteogenesis imperfecta type III (OI3). Also called: Progressively Deforming Osteogenesis Imperfecta; Osteogenesis imperfecta type 3; OI type 3; Osteogenesis imperfecta, progressively deforming with normal sclerae; OI type III. Identifiers: Orphanet 216812, Orphanet 666, MedGen C0268362, MONDO:0009804, OMIM 259420.
Infantile cortical hyperostosis. Also called: P1PK BLOOD GROUP SYSTEM, P(2) PHENOTYPE; Hyperostosis, Cortical, Congenital; Caffey Disease. Identifiers: Orphanet 1310, MedGen C0020497, MONDO:0007244, OMIM 114000.
Osteoporosis. Identifiers: MedGen C0029456, MONDO:0005298, OMIM 166710, HP:0000939.
Ehlers-Danlos syndrome, arthrochalasia type. Also called: EDS VII, MUTANT PROCOLLAGEN TYPE; EDS VIIA; Ehlers-Danlos syndrome, arthrochalasis type; Ehlers-Danlos syndrome, arthrochalasia type, 1; ARTHROCHALASIS MULTIPLEX CONGENITA. Identifiers: Orphanet 1899, Orphanet 99875, Orphanet 99876, MedGen C4551623, MONDO:0007525, OMIM 130060.
Osteogenesis imperfecta with normal sclerae, dominant form (OI4). Also called: OSTEOGENESIS IMPERFECTA, TYPE IV, WITH DENTINOGENESIS IMPERFECTA; Common Variable Osteogenesis Imperfecta with Normal Sclerae; Osteogenesis imperfecta type 4; OSTEOGENESIS IMPERFECTA WITH NORMAL SCLERAE; Osteogenesis Imperfecta Type IV. Identifiers: Orphanet 216820, Orphanet 666, MedGen C0268363, MONDO:0008148, OMIM 166220.

Allele frequency attached by ClinVar (database versions not stated): gnomAD exomes below 0.00001; gnomAD 0.00001; TOPMed 0.00001.

Submissions (4):

Labcorp Genetics (formerly Invitae), Labcorp
Classification: Uncertain significance for Osteogenesis imperfecta type I. Last evaluated: 2025-07-29. Review status: criteria provided, single submitter. Criteria: Invitae Variant Classification Sherloc (09022015). Collection method: clinical testing. Allele origin: germline.
Comment: This sequence change replaces alanine, which is neutral and non-polar, with valine, which is neutral and non-polar, at codon 735 of the COL1A1 protein (p.Ala735Val). This variant is not present in population databases (gnomAD no frequency). This variant has not been reported in the literature in individuals affected with COL1A1-related conditions. ClinVar contains an entry for this variant (Variation ID: 1311241). Invitae Evidence Modeling of protein sequence and biophysical properties (such as structural, functional, and spatial information, amino acid conservation, physicochemical variation, residue mobility, and thermodynamic stability) has been performed for this missense variant. However, the output from this modeling did not meet the statistical confidence thresholds required to predict the impact of this variant on COL1A1 protein function. In summary, the available evidence is currently insufficient to determine the role of this variant in disease. Therefore, it has been classified as a Variant of Uncertain Significance.

GeneDx
Classification: Uncertain significance. Last evaluated: 2025-02-03. Review status: criteria provided, single submitter. Criteria: GeneDx Variant Classification Process June 2021. Collection method: clinical testing. Allele origin: germline. Affected: yes.
Comment: Has not been previously published as pathogenic or benign to our knowledge; Not observed at significant frequency in large population cohorts (gnomAD); In silico analysis indicates that this missense variant does not alter protein structure/function; Occurs in the triple helical domain at the X position in the canonical Gly-X-Y repeat; although this variant may have an effect on normal protein folding and function, missense substitution at the X position is not a common mechanism of disease (HGMD)

Fulgent Genetics
Classification: Uncertain significance for Infantile cortical hyperostosis; Ehlers-Danlos syndrome, arthrochalasia type; Osteogenesis imperfecta type I; Osteogenesis imperfecta, perinatal lethal; Osteogenesis imperfecta with normal sclerae, dominant form; Osteoporosis; Osteogenesis imperfecta type III; Combined osteogenesis imperfecta and Ehlers-Danlos syndrome 1. Last evaluated: 2024-03-22. Review status: criteria provided, single submitter. Criteria: ACMG Guidelines, 2015. Collection method: clinical testing. Allele origin: germline.

Ambry Genetics
Classification: Uncertain significance for Cardiovascular phenotype. Last evaluated: 2021-10-01. Review status: criteria provided, single submitter. Criteria: Ambry Variant Classification Scheme 2023. Collection method: clinical testing. Allele origin: germline.
Comment: The p.A735V variant (also known as c.2204C>T), located in coding exon 32 of the COL1A1 gene, results from a C to T substitution at nucleotide position 2204. The alanine at codon 735 is replaced by valine, an amino acid with similar properties. This amino acid position is well conserved in available vertebrate species. In addition, the in silico prediction for this alteration is inconclusive. Since supporting evidence is limited at this time, the clinical significance of this alteration remains unclear.

NM_000088.4(COL1A1):c.2204C>T (p.Ala735Val)

Gene: COL1A1 (collagen type I alpha 1 chain; minus strand). Cytogenetic location: 17q21.33.
Variant type: single nucleotide variant.
Coding change: c.2204C>T on transcript NM_000088.4 (MANE Select); coding-DNA position 2204, C replaced by T.
Protein change: p.Ala735Val; replaces alanine 735 with valine.
Molecular consequence: missense variant.
Genome position (GRCh38, 1-based): chr17:50,191,414, G>A on the plus strand (C>T on the coding strand, the complement: COL1A1 is on the minus strand). VCF-style: chr17-50191414-G-A. GRCh37 (hg19) VCF-style: chr17-48268775-G-A.
Other names: short protein forms A735V.
Identifiers: ClinVar variation 1311241 (VCV001311241.9), dbSNP rs990375606, ClinGen allele CA291543977.